The following is an entry in ClinVar:

NM_002470.4(MYH3):c.3656A>T (p.Glu1219Val)

Gene: MYH3 (myosin heavy chain 3; minus strand). Cytogenetic location: 17p13.1.
Variant type: single nucleotide variant.
Coding change: c.3656A>T on transcript NM_002470.4 (MANE Select); coding-DNA position 3656, A replaced by T.
Protein change: p.Glu1219Val; replaces glutamic acid 1219 with valine.
Molecular consequence: missense variant.
Genome position (GRCh38, 1-based): chr17:10,638,116, T>A on the plus strand (A>T on the coding strand, the complement: MYH3 is on the minus strand). VCF-style: chr17-10638116-T-A. GRCh37 (hg19) VCF-style: chr17-10541433-T-A.
Other names: short protein forms E1219V.
Identifiers: ClinVar variation 2000509 (VCV002000509.4), dbSNP rs2508592415, ClinGen allele CA398150756.

ClinVar aggregate classification (germline): Uncertain significance (1 of 4 stars; one submission).

Submission:

Labcorp Genetics (formerly Invitae), Labcorp
Classification: Uncertain significance. Last evaluated: 2022-05-29. Review status: criteria provided, single submitter. Criteria: Invitae Variant Classification Sherloc (09022015). Collection method: clinical testing. Allele origin: germline.
Comment: This variant has not been reported in the literature in individuals affected with MYH3-related conditions. This variant is not present in population databases (gnomAD no frequency). This sequence change replaces glutamic acid, which is acidic and polar, with valine, which is neutral and non-polar, at codon 1219 of the MYH3 protein (p.Glu1219Val). In summary, the available evidence is currently insufficient to determine the role of this variant in disease. Therefore, it has been classified as a Variant of Uncertain Significance. Algorithms developed to predict the effect of missense changes on protein structure and function (SIFT, PolyPhen-2, Align-GVGD) all suggest that this variant is likely to be disruptive.